The following is an entry in ClinVar:

NM_000342.4(SLC4A1):c.2358dup (p.Val787fs)

Gene: SLC4A1 (solute carrier family 4 member 1 (Diego blood group); minus strand). Cytogenetic location: 17q21.31.
Variant type: Duplication.
Coding change: c.2358dup on transcript NM_000342.4 (MANE Select); coding-DNA position 2358, one base duplicated (T; older notation c.2358dupT).
Protein change: p.Val787fs; shifts the reading frame from valine 787.
Molecular consequence: frameshift variant.
Genome position (GRCh38, 1-based): chr17:44,251,542, A duplicated on the plus strand (T on the coding strand, the reverse complement: SLC4A1 is on the minus strand). VCF-style (leftmost placement, unchanged base first): chr17-44251541-C-CA. GRCh37 (hg19) VCF-style: chr17-42328909-C-CA.
Other names: short protein forms V787fs.
Identifiers: ClinVar variation 3344397 (VCV003344397.1).
Genomic context (GRCh38, chr17:44,251,541, plus strand): 5'-CAAAGAGCTGGATGCCGCTGAGCGACGTGACCCCCATGTAGAGGAAGATGCCAAACAGTA[C>CA]AGCCAGGGGGATGCGGGACAGGATGGGCTCCATGAGGATGGACAGGCCTGTGGGGGAGCC-3'

ClinVar aggregate classification (germline): Pathogenic (0 of 4 stars; one submission).

Conditions:
SLC4A1-related disorder. Also called: SLC4A1-related disorders; SLC4A1-related condition.

Submission:

PreventionGenetics, part of Exact Sciences
Classification: Pathogenic for SLC4A1-related condition. Last evaluated: 2024-04-25. Review status: no assertion criteria provided. Collection method: clinical testing. Allele origin: germline.
Comment: The SLC4A1 c.2358dupT variant is predicted to result in a frameshift and premature protein termination (p.Val787Cysfs*21). To our knowledge, this variant has not been reported in the literature or in a large population database, indicating this variant is rare. Frameshift variants in SLC4A1 are expected to be pathogenic. This variant is interpreted as pathogenic.